The following is an entry in ClinVar:

ClinVar aggregate classification (germline): Pathogenic (1 of 4 stars; one submission).

Conditions:
Retinoblastoma (RB1). Also called: RETINOBLASTOMA, SOMATIC. Identifiers: Orphanet 790, MedGen C0035335, MeSH D012175, MONDO:0008380, OMIM 180200, HP:0009919. Disease mechanism: loss of function. Inheritance: Both sporadic and heritable forms are tested..

Submission:

Labcorp Genetics (formerly Invitae), Labcorp
Classification: Pathogenic for Retinoblastoma. Last evaluated: 2024-04-08. Review status: criteria provided, single submitter. Criteria: Invitae Variant Classification Sherloc (09022015). Collection method: clinical testing. Allele origin: germline.
Comment: This sequence change affects an acceptor splice site in intron 22 of the RB1 gene. It is expected to disrupt RNA splicing. Variants that disrupt the donor or acceptor splice site typically lead to a loss of protein function (PMID: 16199547), and loss-of-function variants in RB1 are known to be pathogenic (PMID: 17096365). This variant is not present in population databases (gnomAD no frequency). Disruption of this splice site has been observed in individual(s) with retinoblastoma (PMID: 14769601, 24282159). This variant is also known as g.162203G>T. Algorithms developed to predict the effect of sequence changes on RNA splicing suggest that this variant may disrupt the consensus splice site. For these reasons, this variant has been classified as Pathogenic.

Literature cited by the submitters: PubMed 16199547; PubMed 17096365; PubMed 14769601; PubMed 24282159.

NM_000321.3(RB1):c.2326-1G>T

Gene: RB1 (RB transcriptional corepressor 1; plus strand). Cytogenetic location: 13q14.2.
Variant type: single nucleotide variant.
Coding change: c.2326-1G>T on transcript NM_000321.3 (MANE Select); the canonical splice acceptor site of the intron before coding-DNA position 2326, G replaced by T.
Molecular consequence: splice acceptor variant.
Genome position (GRCh38, 1-based): chr13:48,465,204, G>T. VCF-style: chr13-48465204-G-T. GRCh37 (hg19) VCF-style: chr13-49039340-G-T.
Other names: c.2326-1G>T (NM_001407165.1).
Identifiers: ClinVar variation 3721326 (VCV003721326.2).